The following is an entry in ClinVar:

ClinVar aggregate classification (germline): Uncertain significance (1 of 4 stars; one submission).

Allele frequency attached by ClinVar (database versions not stated): gnomAD 0.00001; gnomAD exomes 0.00001; TOPMed 0.00001; ExAC 0.00002.

Submission:

GeneDx
Classification: Uncertain significance. Last evaluated: 2023-11-16. Review status: criteria provided, single submitter. Criteria: GeneDx Variant Classification Process June 2021. Collection method: clinical testing. Allele origin: germline. Affected: yes.
Comment: In silico analysis supports that this missense variant has a deleterious effect on protein structure/function; Has not been previously published as pathogenic or benign to our knowledge

NM_001372044.2(SHANK3):c.4520C>T (p.Pro1507Leu)

Gene: SHANK3 (SH3 and multiple ankyrin repeat domains 3; plus strand). Cytogenetic location: 22q13.33.
Variant type: single nucleotide variant.
Coding change: c.4520C>T on transcript NM_001372044.2 (MANE Select); coding-DNA position 4520, C replaced by T.
Protein change: p.Pro1507Leu; replaces proline 1507 with leucine.
Molecular consequence: missense variant.
Genome position (GRCh38, 1-based): chr22:50,722,128, C>T. VCF-style: chr22-50722128-C-T. GRCh37 (hg19) VCF-style: chr22-51160556-C-T.
Other names: c.4295C>T (NM_033517.1); short protein forms P1507L.
Identifiers: ClinVar variation 1697109 (VCV001697109.3), dbSNP rs752413653, ClinGen allele CA10326240.